The following is an entry in ClinVar:

ClinVar aggregate classification (germline): Benign (1 of 4 stars; one submission).

Conditions:
Oligodontia-cancer predisposition syndrome. Also called: TOOTH AGENESIS-COLORECTAL CANCER SYNDROME. Identifiers: Orphanet 300576, MedGen C1837750, MONDO:0012075, OMIM 608615. Disease mechanism: loss of function.

Allele frequency attached by ClinVar (database versions not stated): gnomAD 0.00970 and 0.01027; TOPMed 0.01060; 1000 Genomes Project 0.01138; 1000 Genomes Project 30x 0.01218.
gnomAD v4.1: 1,651 of 234,828 alleles (0.7%); highest among the groups gnomAD compares: African/African-American, 3.3%; 37 homozygotes.

Submission:

Illumina Laboratory Services, Illumina
Classification: Benign for Oligodontia-cancer predisposition syndrome. Last evaluated: 2018-01-13. Review status: criteria provided, single submitter. Criteria: ICSL Variant Classification Criteria 13 December 2019. Collection method: clinical testing. Allele origin: germline.
Comment: This variant was observed in the ICSL laboratory as part of a predisposition screen in an ostensibly healthy population. It had not been previously curated by ICSL or reported in the Human Gene Mutation Database (HGMD: prior to June 1st, 2018), and was therefore a candidate for classification through an automated scoring system. Utilizing variant allele frequency, disease prevalence and penetrance estimates, and inheritance mode, an automated score was calculated to assess if this variant is too frequent to cause the disease. Based on the score and internal cut-off values, a variant classified as benign is not then subjected to further curation. The score for this variant resulted in a classification of benign for this disease.

NM_004655.4(AXIN2):c.*846G>A

Gene: AXIN2 (axin 2; minus strand). Cytogenetic location: 17q24.1.
Variant type: single nucleotide variant.
Coding change: c.*846G>A on transcript NM_004655.4 (MANE Select); 846 bases downstream of the stop codon, G replaced by A.
Molecular consequence: 3 prime UTR variant.
Genome position (GRCh38, 1-based): chr17:65,529,130, C>T on the plus strand (G>A on the coding strand, the complement: AXIN2 is on the minus strand). VCF-style: chr17-65529130-C-T. GRCh37 (hg19) VCF-style: chr17-63525248-C-T.
Other names: c.*846G>A (LRG_296t1, NM_001363813.1).
Identifiers: ClinVar variation 324632 (VCV000324632.5), dbSNP rs75257056, ClinGen allele CA10650733.
Genomic context (GRCh38, chr17:65,529,130, plus strand): 5'-AATGTAAAACAAAAACAGAAACAAAAAAAACAAGGAACTGTCATTTCCACGAAAGCACAG[C>T]GGCAGTGATTCTAGCAGGCCTCAGGGCCCTGGGCCTGGGGAGGCTACATGAGGGGGAGCC-3'